The following is an entry in ClinVar:

NM_002618.4(PEX13):c.1151C>G (p.Thr384Ser)

Gene: PEX13 (peroxisomal biogenesis factor 13; plus strand). Cytogenetic location: 2p15.
Variant type: single nucleotide variant.
Coding change: c.1151C>G on transcript NM_002618.4 (MANE Select); coding-DNA position 1151, C replaced by G.
Protein change: p.Thr384Ser; replaces threonine 384 with serine.
Molecular consequence: missense variant.
Genome position (GRCh38, 1-based): chr2:61,048,709, C>G. VCF-style: chr2-61048709-C-G. GRCh37 (hg19) VCF-style: chr2-61275844-C-G.
Other names: short protein forms T384S.
Identifiers: ClinVar variation 956736 (VCV000956736.9), dbSNP rs1680750357, ClinGen allele CA346950257.
Genomic context (GRCh38, chr2:61,048,709, plus strand): 5'-CCACGGTTGCTGATTCTTTGGATGAACAGGAAGCTGCCTTTGAATCTGTTTTTGTTGAAA[C>G]TAATAAGGTTCCAGTTGCACCTGATTCCATTGGGAAAGATGGAGAAAAGCAAGATCTTTG-3'
Protein context (NP_002609.1, residues 374-394): EAAFESVFVE[Thr384Ser]NKVPVAPDSI

ClinVar aggregate classification (germline): Uncertain significance (1 of 4 stars; one submission).

Conditions:
Peroxisome biogenesis disorder 11A (Zellweger). Also called: Peroxisome biogenesis disorder 11A. Identifiers: Orphanet 912, MedGen C3554000, MONDO:0013949, OMIM 614883.

Allele frequency attached by ClinVar (database versions not stated): gnomAD exomes below 0.00001.
gnomAD v4.1: 1 of 1,613,864 alleles (0.000062%); highest among the groups gnomAD compares: Non-Finnish European, 0.000085%; no homozygotes.

Submission:

Labcorp Genetics (formerly Invitae), Labcorp
Classification: Uncertain significance for Peroxisome biogenesis disorder 11A (Zellweger). Last evaluated: 2024-10-22. Review status: criteria provided, single submitter. Criteria: Invitae Variant Classification Sherloc (09022015). Collection method: clinical testing. Allele origin: germline.
Comment: This sequence change replaces threonine, which is neutral and polar, with serine, which is neutral and polar, at codon 384 of the PEX13 protein (p.Thr384Ser). This variant is not present in population databases (gnomAD no frequency). This variant has not been reported in the literature in individuals affected with PEX13-related conditions. ClinVar contains an entry for this variant (Variation ID: 956736). An algorithm developed to predict the effect of missense changes on protein structure and function (PolyPhen-2) suggests that this variant is likely to be tolerated. In summary, the available evidence is currently insufficient to determine the role of this variant in disease. Therefore, it has been classified as a Variant of Uncertain Significance.